The following is an entry in ClinVar:

NM_001430.5(EPAS1):c.*1566T>C

Gene: EPAS1 (endothelial PAS domain protein 1; plus strand). Cytogenetic location: 2p21.
Variant type: single nucleotide variant.
Coding change: c.*1566T>C on transcript NM_001430.5 (MANE Select); 1566 bases downstream of the stop codon, T replaced by C.
Molecular consequence: 3 prime UTR variant.
Genome position (GRCh38, 1-based): chr2:46,386,226, T>C. VCF-style: chr2-46386226-T-C. GRCh37 (hg19) VCF-style: chr2-46613365-T-C.
Identifiers: ClinVar variation 897894 (VCV000897894.4), dbSNP rs111528756, ClinGen allele CA46572784.

ClinVar aggregate classification (germline): Benign (1 of 4 stars; one submission).

Conditions:
Erythrocytosis, familial, 4 (ECYT4). Identifiers: Orphanet 247511, MedGen C2673187, MONDO:0012729, OMIM 611783.

Allele frequency attached by ClinVar (database versions not stated): 1000 Genomes Project 30x 0.00359; gnomAD 0.00288 and 0.00292; TOPMed 0.00293; 1000 Genomes Project 0.00439.

Submission:

Illumina Laboratory Services, Illumina
Classification: Benign for Erythrocytosis, familial, 4. Last evaluated: 2018-01-12. Review status: criteria provided, single submitter. Criteria: ICSL Variant Classification Criteria 13 December 2019. Collection method: clinical testing. Allele origin: germline.
Comment: This variant was observed in the ICSL laboratory as part of a predisposition screen in an ostensibly healthy population. It had not been previously curated by ICSL or reported in the Human Gene Mutation Database (HGMD: prior to June 1st, 2018), and was therefore a candidate for classification through an automated scoring system. Utilizing variant allele frequency, disease prevalence and penetrance estimates, and inheritance mode, an automated score was calculated to assess if this variant is too frequent to cause the disease. Based on the score and internal cut-off values, a variant classified as benign is not then subjected to further curation. The score for this variant resulted in a classification of benign for this disease.